The following is an entry in ClinVar:

NM_017780.4(CHD7):c.8353G>A (p.Ala2785Thr)

Gene: CHD7 (chromodomain helicase DNA binding protein 7; plus strand). Cytogenetic location: 8q12.2.
Variant type: single nucleotide variant.
Coding change: c.8353G>A on transcript NM_017780.4 (MANE Select); coding-DNA position 8353, G replaced by A.
Protein change: p.Ala2785Thr; replaces alanine 2785 with threonine.
Molecular consequence: missense variant.
Genome position (GRCh38, 1-based): chr8:60,865,292, G>A. VCF-style: chr8-60865292-G-A. GRCh37 (hg19) VCF-style: chr8-61777851-G-A.
Other names: c.2206G>A, p.Ala736Thr (NM_001316690.1); short protein forms A2785T, A736T.
Identifiers: ClinVar variation 975199 (VCV000975199.5), dbSNP rs935815422, ClinGen allele CA371308615.

ClinVar aggregate classification (germline): Likely benign. Review status: criteria provided, single submitter (1 of 4 stars). 3 submissions from 3 submitters: Likely benign (1). 2 of the submissions do not count toward it. Last evaluated 2024-04-29.

Conditions:
CHD7-related disorder. Also called: CHD7-related condition.
CHARGE syndrome (CHARGE). Also called: Hittner Hirsch Kreh syndrome; Coloboma, heart anomaly, choanal atresia, retardation, genital and ear anomalies; CHARGE association; Hall-Hittner syndrome; CHARGE ASSOCIATION--COLOBOMA, HEART ANOMALY, CHOANAL ATRESIA, RETARDATION, GENITAL AND EAR ANOMALIES. Identifiers: Orphanet 138, MedGen C0265354, MONDO:0008965.
Intellectual disability. Also called: Intellectual developmental disorder; Intellectual functioning disability; intellectual disabilities. Identifiers: MedGen C3714756, MeSH D008607, MONDO:0001071, HP:0001249.

Allele frequency attached by ClinVar (database versions not stated): gnomAD exomes 0.00001; TOPMed 0.00001.
gnomAD v4.1: 24 of 1,609,354 alleles (0.0015%); highest among the groups gnomAD compares: Non-Finnish European, 0.0019%; no homozygotes.

Submissions (3):

Labcorp Genetics (formerly Invitae), Labcorp
Classification: Likely benign for CHARGE syndrome. Last evaluated: 2024-04-29. Review status: criteria provided, single submitter. Criteria: Invitae Variant Classification Sherloc (09022015). Collection method: clinical testing. Allele origin: germline.

PreventionGenetics, part of Exact Sciences
Classification: Uncertain significance for CHD7-related condition. Last evaluated: 2023-12-10. Review status: no assertion criteria provided. Collection method: clinical testing. Allele origin: germline. Not counted in ClinVar's aggregate classification.
Comment: The CHD7 c.8353G>A variant is predicted to result in the amino acid substitution p.Ala2785Thr. To our knowledge, this variant has not been reported in the literature or in a large population database, indicating this variant is rare. At this time, the clinical significance of this variant is uncertain due to the absence of conclusive functional and genetic evidence.

Centre de Biologie Pathologie Génétique, Centre Hospitalier Universitaire de Lille
Classification: Likely benign for Intellectual disability. Last evaluated: 2019-01-01. Review status: no assertion criteria provided. Collection method: clinical testing. Allele origin: inherited. Affected: yes. Not counted in ClinVar's aggregate classification.